The following is an entry in ClinVar:

ClinVar aggregate classification (germline): Uncertain significance. Review status: criteria provided, multiple submitters, no conflicts (2 of 4 stars). 3 submissions from 3 submitters: Uncertain significance (3). Last evaluated 2025-09-25.

Conditions:
Inborn genetic diseases. Identifiers: MedGen C0950123, MeSH D030342.
Leber congenital amaurosis 1 (LCA1). Also called: Congenital absence of the rods and cones; Leber's congenital tapetoretinal degeneration; Leber's congenital tapetoretinal dysplasia; RETINAL BLINDNESS, CONGENITAL; AMAUROSIS CONGENITA OF LEBER I. Identifiers: Orphanet 65, MedGen C2931258, MONDO:0008764, OMIM 204000.
Cone-rod dystrophy 6 (CORD6). Also called: Cone dystrophy progressive; RETINAL CONE DYSTROPHY 2. Identifiers: Orphanet 1872, MedGen C1866293, MONDO:0011143, OMIM 601777.

gnomAD v4.1: 3 of 1,611,490 alleles (0.00019%); highest among the groups gnomAD compares: Non-Finnish European, 0.00025%; no homozygotes.

Submissions (3):

Ambry Genetics
Classification: Uncertain significance for Inborn genetic diseases. Last evaluated: 2025-09-25. Review status: criteria provided, single submitter. Criteria: Ambry Variant Classification Scheme 2023. Collection method: clinical testing. Allele origin: germline.

Labcorp Genetics (formerly Invitae), Labcorp
Classification: Uncertain significance for Leber congenital amaurosis 1; Cone-rod dystrophy 6. Last evaluated: 2024-01-31. Review status: criteria provided, single submitter. Criteria: Invitae Variant Classification Sherloc (09022015). Collection method: clinical testing. Allele origin: germline.
Comment: This sequence change replaces proline, which is neutral and non-polar, with leucine, which is neutral and non-polar, at codon 447 of the GUCY2D protein (p.Pro447Leu). This variant is not present in population databases (gnomAD no frequency). This variant has not been reported in the literature in individuals affected with GUCY2D-related conditions. Advanced modeling of protein sequence and biophysical properties (such as structural, functional, and spatial information, amino acid conservation, physicochemical variation, residue mobility, and thermodynamic stability) performed at Invitae indicates that this missense variant is not expected to disrupt GUCY2D protein function with a negative predictive value of 80%. In summary, the available evidence is currently insufficient to determine the role of this variant in disease. Therefore, it has been classified as a Variant of Uncertain Significance.

Blueprint Genetics
Classification: Uncertain significance. Last evaluated: 2022-08-31. Review status: criteria provided, single submitter. Criteria: ACMG Guidelines, 2015. Collection method: clinical testing. Allele origin: germline.

NM_000180.4(GUCY2D):c.1340C>T (p.Pro447Leu)

Gene: GUCY2D (guanylate cyclase 2D, retinal; plus strand). Cytogenetic location: 17p13.1.
Variant type: single nucleotide variant.
Coding change: c.1340C>T on transcript NM_000180.4 (MANE Select); coding-DNA position 1340, C replaced by T.
Protein change: p.Pro447Leu; replaces proline 447 with leucine.
Molecular consequence: missense variant.
Genome position (GRCh38, 1-based): chr17:8,006,676, C>T. VCF-style: chr17-8006676-C-T. GRCh37 (hg19) VCF-style: chr17-7909994-C-T.
Other names: c.1340C>T (NM_000180.3); short protein forms P447L.
Identifiers: ClinVar variation 2922716 (VCV002922716.5), dbSNP rs1335925709, ClinGen allele CA397948445.